The following is an entry in ClinVar:

NM_000321.3(RB1):c.1498+2T>G

Gene: RB1 (RB transcriptional corepressor 1; plus strand). Cytogenetic location: 13q14.2.
Variant type: single nucleotide variant.
Coding change: c.1498+2T>G on transcript NM_000321.3 (MANE Select); the canonical splice donor site of the intron after coding-DNA position 1498, T replaced by G.
Molecular consequence: splice donor variant.
Genome position (GRCh38, 1-based): chr13:48,380,243, T>G. VCF-style: chr13-48380243-T-G. GRCh37 (hg19) VCF-style: chr13-48954379-T-G.
Other names: c.1498+2T>G (NM_001407165.1, NM_001407166.1).
Identifiers: ClinVar variation 995859 (VCV000995859.4), dbSNP rs1948523741, ClinGen allele CA388162932.

ClinVar aggregate classification (germline): Pathogenic/Likely pathogenic. Review status: criteria provided, multiple submitters, no conflicts (2 of 4 stars). 2 submissions from 2 submitters: Pathogenic (1); Likely pathogenic (1). Last evaluated 2020-08-20.

Conditions:
Hereditary cancer-predisposing syndrome. Also called: Neoplastic Syndromes, Hereditary; Hereditary Cancer Syndrome; Tumor predisposition; Hereditary neoplastic syndrome. Identifiers: Orphanet 140162, MedGen C0027672, MeSH D009386, MONDO:0015356.
Retinoblastoma (RB1). Also called: RETINOBLASTOMA, SOMATIC. Identifiers: Orphanet 790, MedGen C0035335, MeSH D012175, MONDO:0008380, OMIM 180200, HP:0009919. Disease mechanism: loss of function. Inheritance: Both sporadic and heritable forms are tested..

Submissions (2):

Genetics Program, Instituto Nacional de Cancer
Classification: Pathogenic for Retinoblastoma. Last evaluated: 2020-08-20. Review status: criteria provided, single submitter. Criteria: ACMG Guidelines, 2015. Collection method: research. Allele origin: somatic. Affected: yes. Observed: 1 variant allele.
Comment: Gene panel by NGS. Splice site variant. Found in one tumor, allele frequency =0.335. Confirmed by AS-PCR.

Ambry Genetics
Classification: Likely pathogenic for Hereditary cancer-predisposing syndrome. Last evaluated: 2017-06-08. Review status: criteria provided, single submitter. Criteria: Ambry Variant Classification Scheme 2023. Collection method: clinical testing. Allele origin: germline.
Comment: The c.1498+2T>G intronic variant results from a T to G substitution two nucleotides after coding exon 16 in the RB1 gene. This nucleotide position is highly conserved in available vertebrate species. Using the BDGP and ESEfinder splice site prediction tools, this alteration is predicted to abolish the native splice donor site; however, direct evidence is unavailable. Alterations that disrupt the canonical splice site are expected to cause aberrant splicing, resulting in an abnormal protein or a transcript that is subject to nonsense-mediated mRNA decay. As such, this alteration is classified as likely pathogenic.